The following is an entry in ClinVar:

ClinVar aggregate classification (germline): Pathogenic (1 of 4 stars; one submission).

Allele frequency attached by ClinVar (database versions not stated): TOPMed below 0.00001.

Submission:

Labcorp Genetics (formerly Invitae), Labcorp
Classification: Pathogenic. Last evaluated: 2022-09-20. Review status: criteria provided, single submitter. Criteria: Invitae Variant Classification Sherloc (09022015). Collection method: clinical testing. Allele origin: germline.
Comment: For these reasons, this variant has been classified as Pathogenic. This variant has not been reported in the literature in individuals affected with IMPG2-related conditions. This variant is not present in population databases (gnomAD no frequency). This sequence change creates a premature translational stop signal (p.Gln947*) in the IMPG2 gene. It is expected to result in an absent or disrupted protein product. Loss-of-function variants in IMPG2 are known to be pathogenic (PMID: 20673862).

Literature cited by the submitters: PubMed 20673862.

NM_016247.4(IMPG2):c.2839C>T (p.Gln947Ter)

Gene: IMPG2 (interphotoreceptor matrix proteoglycan 2; minus strand). Cytogenetic location: 3q12.3.
Variant type: single nucleotide variant.
Coding change: c.2839C>T on transcript NM_016247.4 (MANE Select); coding-DNA position 2839, C replaced by T.
Protein change: p.Gln947Ter; replaces glutamine 947 with a stop codon.
Molecular consequence: nonsense.
Genome position (GRCh38, 1-based): chr3:101,242,871, G>A on the plus strand (C>T on the coding strand, the complement: IMPG2 is on the minus strand). VCF-style: chr3-101242871-G-A. GRCh37 (hg19) VCF-style: chr3-100961715-G-A.
Other names: short protein forms Q947*.
Identifiers: ClinVar variation 2105946 (VCV002105946.4), dbSNP rs1706425812, ClinGen allele CA353854059.